The following is an entry in ClinVar:

ClinVar aggregate classification (germline): Uncertain significance (1 of 4 stars; one submission).

Conditions:
Intellectual developmental disorder with autistic features and language delay, with or without seizures. Identifiers: MedGen C5394447, MONDO:0030051, OMIM 618906.

gnomAD v4.1: 2 of 1,613,950 alleles (0.00012%); highest among the groups gnomAD compares: Non-Finnish European, 0.00017%; no homozygotes.

Submission:

Victorian Clinical Genetics Services, Murdoch Childrens Research Institute
Classification: Uncertain significance for Intellectual developmental disorder with autistic features and language delay, with or without seizures. Last evaluated: 2025-11-28. Review status: criteria provided, single submitter. Criteria: ACMG Guidelines, 2015. Collection method: clinical testing. Allele origin: germline. Affected: yes.
Comment: This variant is classified as VUS-3B. Evidence in support of pathogenic classification: Variant is present in gnomAD <0.001 for a dominant condition (v4: 2 heterozygote(s), 0 homozygote(s)). Additional information: Variant is predicted to result in a missense amino acid change from Ser to Gly; This variant is heterozygous; This gene is associated with autosomal dominant disease; This variant has no previous evidence of pathogenicity; No published evidence of segregation with disease has been identified for this variant; No published functional evidence has been identified for this variant; No comparable missense variants have previous evidence for pathogenicity; Variant is located in the annotated TANC1-like, AAA+ ATPase lid domain (DECIPHER); Missense variant with inconclusive in silico prediction and/or uninformative conservation; Loss of function is a known mechanism of disease in this gene and is associated with intellectual developmental disorder with autistic features and language delay, with or without seizures (MIM#618906); Inheritance information for this variant is not currently available in this individual.

NM_001394998.1(TANC2):c.2245A>G (p.Ser749Gly)

Gene: TANC2 (tetratricopeptide repeat, ankyrin repeat and coiled-coil containing 2; plus strand). Cytogenetic location: 17q23.3.
Variant type: single nucleotide variant.
Coding change: c.2245A>G on transcript NM_001394998.1 (MANE Select); coding-DNA position 2245, A replaced by G.
Protein change: p.Ser749Gly; replaces serine 749 with glycine.
Molecular consequence: missense variant.
Genome position (GRCh38, 1-based): chr17:63,355,053, A>G. VCF-style: chr17-63355053-A-G. GRCh37 (hg19) VCF-style: chr17-61432414-A-G.
Other names: c.2023A>G, p.Ser675Gly (NM_001411076.1, NM_025185.4); short protein forms S675G, S749G.
Identifiers: ClinVar variation 4818951 (VCV004818951.1).